The following is an entry in ClinVar:

ClinVar aggregate classification (germline): Uncertain significance. Review status: criteria provided, multiple submitters, no conflicts (2 of 4 stars). 2 submissions from 2 submitters: Uncertain significance (2). Last evaluated 2026-07-13.

Conditions:
Epilepsy, idiopathic generalized, susceptibility to, 13. Also called: EPILEPSY, JUVENILE MYOCLONIC, SUSCEPTIBILITY TO, 5. Identifiers: Orphanet 307, Orphanet 64280, MedGen C4013473, MONDO:0012627, OMIM 611136.
Idiopathic generalized epilepsy. Also called: Generalised epilepsy; EIG. Identifiers: MedGen C0270850, MONDO:0005579, OMIM 600669.
Epilepsy, childhood absence 4 (ECA4). Also called: EPILEPSY, CHILDHOOD ABSENCE, SUSCEPTIBILITY TO, 4. Identifiers: Orphanet 307, MedGen C1970160.
Developmental and epileptic encephalopathy, 19 (DEE19). Also called: Epileptic encephalopathy, early infantile, 19. Identifiers: Orphanet 33069, MedGen C3810400, MONDO:0014328, OMIM 615744.

Allele frequency attached by ClinVar (database versions not stated): gnomAD exomes below 0.00001.
gnomAD v4.1: 1 of 1,612,982 alleles (0.000062%); highest among the groups gnomAD compares: Non-Finnish European, 0.000085%; no homozygotes.

Submissions (2):

Institute of Human Genetics, University of Leipzig Medical Center
Classification: Uncertain significance for Developmental and epileptic encephalopathy, 19. Last evaluated: 2026-07-13. Review status: criteria provided, single submitter. Criteria: ACMG Guidelines, 2015. Collection method: clinical testing. Allele origin: unknown. Inheritance: Autosomal dominant inheritance. Affected: yes.
Comment: Criteria applied: PM2_SUP,PM5_SUP,PP2,PP3

Labcorp Genetics (formerly Invitae), Labcorp
Classification: Uncertain significance for Epilepsy, childhood absence 4; Epilepsy, idiopathic generalized, susceptibility to, 13; Idiopathic generalized epilepsy. Last evaluated: 2019-10-16. Review status: criteria provided, single submitter. Criteria: Invitae Variant Classification Sherloc (09022015). Collection method: clinical testing. Allele origin: germline.
Comment: In summary, the available evidence is currently insufficient to determine the role of this variant in disease. Therefore, it has been classified as a Variant of Uncertain Significance. This variant disrupts the p.Ser76 amino acid residue in GABRA1. Other variant(s) that disrupt this residue have been determined to be pathogenic (PMID: 27521439). This suggests that this residue is clinically significant, and that variants that disrupt this residue are likely to be disease-causing. This variant has not been reported in the literature in individuals with GABRA1-related conditions. Algorithms developed to predict the effect of missense changes on protein structure and function are either unavailable or do not agree on the potential impact of this missense change (SIFT: "Deleterious"; PolyPhen-2: "Benign"; Align-GVGD: "Class C0"). This sequence change replaces serine with glycine at codon 76 of the GABRA1 protein (p.Ser76Gly). The serine residue is highly conserved and there is a small physicochemical difference between serine and glycine. This variant is not present in population databases (ExAC no frequency).

Literature cited by the submitters: PubMed 27521439 (cited by Labcorp Genetics (formerly Invitae), Labcorp).

NM_001127644.2(GABRA1):c.226A>G (p.Ser76Gly)

Gene: GABRA1 (gamma-aminobutyric acid type A receptor subunit alpha1; plus strand). Cytogenetic location: 5q34.
Variant type: single nucleotide variant.
Coding change: c.226A>G on transcript NM_001127644.2 (MANE Select); coding-DNA position 226, A replaced by G.
Protein change: p.Ser76Gly; replaces serine 76 with glycine.
Molecular consequence: missense variant.
Genome position (GRCh38, 1-based): chr5:161,865,759, A>G. VCF-style: chr5-161865759-A-G. GRCh37 (hg19) VCF-style: chr5-161292765-A-G.
Other names: c.226A>G, p.Ser76Gly (NM_000806.5, NM_001127643.2, NM_001127645.2 and 1 more transcripts); short protein forms S76G.
Identifiers: ClinVar variation 943742 (VCV000943742.10), dbSNP rs1402107983, ClinGen allele CA362178571.
Genomic context (GRCh38, chr5:161,865,759, plus strand): 5'-GCCCAATTTCCTGCTTCAACAGAGCGTGTAACCGAAGTGAAGACTGATATCTTCGTCACC[A>G]GTTTCGGACCCGTTTCAGACCATGATATGGTAAGTGGACACTTTATCTTTGCTTTTCTTG-3'
Protein context (NP_001121116.1, residues 66-86): TEVKTDIFVT[Ser76Gly]FGPVSDHDME